The following is an entry in ClinVar:

NM_181697.3(PRDX1):c.107-11T>A

Gene: PRDX1 (peroxiredoxin 1; minus strand). Cytogenetic location: 1p34.1.
Variant type: single nucleotide variant.
Coding change: c.107-11T>A on transcript NM_181697.3 (MANE Select); 11 bases into the intron before coding-DNA position 107, T replaced by A.
Molecular consequence: intron variant.
Genome position (GRCh38, 1-based): chr1:45,515,818, A>T on the plus strand (T>A on the coding strand, the complement: PRDX1 is on the minus strand). VCF-style: chr1-45515818-A-T. GRCh37 (hg19) VCF-style: chr1-45981490-A-T.
Other names: c.107-11T>A (NM_001202431.2, NM_181696.3, NM_002574.4).
Identifiers: ClinVar variation 1978201 (VCV001978201.3), dbSNP rs1239079715, ClinGen allele CA522562309.

ClinVar aggregate classification (germline): Uncertain significance (1 of 4 stars; one submission).

Allele frequency attached by ClinVar (database versions not stated): gnomAD exomes below 0.00001.
gnomAD v4.1: 6 of 1,546,804 alleles (0.00039%); no homozygotes.

Submission:

Labcorp Genetics (formerly Invitae), Labcorp
Classification: Uncertain significance. Last evaluated: 2022-03-22. Review status: criteria provided, single submitter. Criteria: Invitae Variant Classification Sherloc (09022015). Collection method: clinical testing. Allele origin: germline.
Comment: In summary, the available evidence is currently insufficient to determine the role of this variant in disease. Therefore, it has been classified as a Variant of Uncertain Significance. Algorithms developed to predict the effect of sequence changes on RNA splicing suggest that this variant may disrupt the consensus splice site. This variant has not been reported in the literature in individuals affected with PRDX1-related conditions. This variant is present in population databases (no rsID available, gnomAD 0.01%). This sequence change falls in intron 2 of the PRDX1 gene. It does not directly change the encoded amino acid sequence of the PRDX1 protein.